The following is an entry in ClinVar:

NM_003579.4(RAD54L):c.689T>C (p.Val230Ala)

Gene: RAD54L (RAD54 like; plus strand). Cytogenetic location: 1p34.1.
Variant type: single nucleotide variant.
Coding change: c.689T>C on transcript NM_003579.4 (MANE Select); coding-DNA position 689, T replaced by C.
Protein change: p.Val230Ala; replaces valine 230 with alanine.
Molecular consequence: missense variant.
Genome position (GRCh38, 1-based): chr1:46,260,938, T>C. VCF-style: chr1-46260938-T-C. GRCh37 (hg19) VCF-style: chr1-46726610-T-C.
Other names: c.689T>C, p.Val230Ala (NM_001142548.2); c.149T>C, p.Val50Ala (NM_001370766.1); short protein forms V230A, V50A.
Identifiers: ClinVar variation 1756043 (VCV001756043.3), dbSNP rs1227794057, ClinGen allele CA340187360.

ClinVar aggregate classification (germline): Uncertain significance (1 of 4 stars; one submission).

Allele frequency attached by ClinVar (database versions not stated): TOPMed below 0.00001.
gnomAD v4.1: 3 of 1,614,074 alleles (0.00019%); highest among the groups gnomAD compares: African/African-American, 0.0013%; no homozygotes.

Submission:

Ambry Genetics
Classification: Uncertain significance. Last evaluated: 2024-07-24. Review status: criteria provided, single submitter. Criteria: Ambry Variant Classification Scheme 2023. Collection method: clinical testing. Allele origin: germline.
Comment: The p.V230A variant (also known as c.689T>C), located in coding exon 7 of the RAD54L gene, results from a T to C substitution at nucleotide position 689. The valine at codon 230 is replaced by alanine, an amino acid with similar properties. This amino acid position is conserved. In addition, this alteration is predicted to be deleterious by in silico analysis. Since supporting evidence is limited at this time, the clinical significance of this alteration remains unclear.